The following is an entry in ClinVar:

ClinVar aggregate classification (germline): Pathogenic. Review status: criteria provided, multiple submitters, no conflicts (2 of 4 stars). 2 submissions from 2 submitters: Pathogenic (2). Last evaluated 2022-11-16.

Conditions:
Inborn genetic diseases. Identifiers: MedGen C0950123, MeSH D030342.

Submissions (2):

Labcorp Genetics (formerly Invitae), Labcorp
Classification: Pathogenic. Last evaluated: 2022-11-16. Review status: criteria provided, single submitter. Criteria: Invitae Variant Classification Sherloc (09022015). Collection method: clinical testing. Allele origin: germline.
Comment: For these reasons, this variant has been classified as Pathogenic. ClinVar contains an entry for this variant (Variation ID: 985053). This premature translational stop signal has been observed in individual(s) with clinical features of KMT2B-related disorders (PMID: 33150406). This variant is not present in population databases (gnomAD no frequency). This sequence change creates a premature translational stop signal (p.Lys376Argfs*10) in the KMT2B gene. It is expected to result in an absent or disrupted protein product. Loss-of-function variants in KMT2B are known to be pathogenic (PMID: 27839873, 27992417).

Ambry Genetics
Classification: Pathogenic for Inborn genetic diseases. Last evaluated: 2016-12-28. Review status: criteria provided, single submitter. Criteria: Ambry exome assertion method (8-5-2015). Collection method: clinical testing. Allele origin: germline. Affected: yes. Observed: 1 variant allele.

Literature cited by the submitters: PubMed 33150406 (cited by Labcorp Genetics (formerly Invitae), Labcorp); PubMed 27839873 (cited by Labcorp Genetics (formerly Invitae), Labcorp); PubMed 27992417 (cited by Labcorp Genetics (formerly Invitae), Labcorp).

NM_014727.3(KMT2B):c.1127_1130del (p.Lys376fs)

Gene: KMT2B (lysine methyltransferase 2B; plus strand). Cytogenetic location: 19q13.12.
Variant type: Deletion.
Coding change: c.1127_1130del on transcript NM_014727.3 (MANE Select); coding-DNA positions 1127 to 1130, 4 bases deleted (AGGA; older notation c.1127_1130delAGGA).
Protein change: p.Lys376fs; shifts the reading frame from lysine 376.
Molecular consequence: frameshift variant.
Genome position (GRCh38, 1-based): chr19:35,720,474-35,720,477, AGGA deleted; deleting any 4 consecutive bases within chr19:35,720,473-35,720,477 gives the same sequence; the c. name uses the placement nearest the transcript's 3' end. VCF-style (leftmost placement, unchanged base first): chr19-35720472-CAAGG-C. GRCh37 (hg19) VCF-style: chr19-36211374-CAAGG-C.
Other names: short protein forms K376fs.
Identifiers: ClinVar variation 985053 (VCV000985053.6), dbSNP rs1969141028, ClinGen allele CA1139666406.